The following is an entry in ClinVar:

NM_177438.3(DICER1):c.1642C>G (p.Gln548Glu)

Gene: DICER1 (dicer 1, ribonuclease III; minus strand). Cytogenetic location: 14q32.13.
Variant type: single nucleotide variant.
Coding change: c.1642C>G on transcript NM_177438.3 (MANE Select); coding-DNA position 1642, C replaced by G.
Protein change: p.Gln548Glu; replaces glutamine 548 with glutamic acid.
Molecular consequence: missense variant. On other transcripts: 5 prime UTR variant (1), non-coding transcript variant (6).
Genome position (GRCh38, 1-based): chr14:95,116,563, G>C on the plus strand (C>G on the coding strand, the complement: DICER1 is on the minus strand). VCF-style: chr14-95116563-G-C. GRCh37 (hg19) VCF-style: chr14-95582900-G-C.
Other names: c.1237C>G, p.Gln413Glu (NM_001395690.1, NM_001395696.1, NM_001395698.1 and 3 more transcripts); c.1075C>G, p.Gln359Glu (NM_001395691.1); c.1642C>G, p.Gln548Glu (NM_001395692.1, NM_001395693.1, NM_001395694.1 and 12 more transcripts); c.-42C>G (NM_001395697.1); c.1360C>G, p.Gln454Glu (NM_001395686.1); short protein forms Q454E, Q548E, Q359E, Q413E.
Identifiers: ClinVar variation 3271982 (VCV003271982.2).

ClinVar aggregate classification (germline): Uncertain significance. Review status: criteria provided, multiple submitters, no conflicts (2 of 4 stars). 2 submissions from 2 submitters: Uncertain significance (2). Last evaluated 2024-03-21.

Conditions:
Hereditary cancer-predisposing syndrome. Also called: Tumor predisposition; Hereditary Cancer Syndrome; Hereditary neoplastic syndrome; Neoplastic Syndromes, Hereditary. Identifiers: Orphanet 140162, MedGen C0027672, MeSH D009386, MONDO:0015356.

Submissions (2):

Ambry Genetics
Classification: Uncertain significance for Hereditary cancer-predisposing syndrome. Last evaluated: 2024-03-21. Review status: criteria provided, single submitter. Criteria: Ambry Variant Classification Scheme 2023. Collection method: clinical testing. Allele origin: germline.
Comment: The p.Q548E variant (also known as c.1642C>G), located in coding exon 9 of the DICER1 gene, results from a C to G substitution at nucleotide position 1642. The glutamine at codon 548 is replaced by glutamic acid, an amino acid with highly similar properties. This amino acid position is conserved. In addition, this alteration is predicted to be deleterious by in silico analysis. Based on the available evidence, the clinical significance of this alteration remains unclear.

GeneDx
Classification: Uncertain significance. Last evaluated: 2023-12-12. Review status: criteria provided, single submitter. Criteria: GeneDx Variant Classification Process June 2021. Collection method: clinical testing. Allele origin: germline. Affected: yes.
Comment: Not observed at significant frequency in large population cohorts (gnomAD); In silico analysis supports that this missense variant does not alter protein structure/function; Has not been previously published as pathogenic or benign to our knowledge